The following is an entry in ClinVar:

ClinVar aggregate classification (germline): Uncertain significance. Review status: criteria provided, single submitter (1 of 4 stars). 2 submissions from 2 submitters: Uncertain significance (1). 1 of the submissions does not count toward it. Last evaluated 2021-11-11.

Conditions:
Saldino-Mainzer syndrome (SRTD9). Also called: CONORENAL SYNDROME; Renal dysplasia, retinal pigmentary dystrophy, cerebellar ataxia and skeletal dysplasia; SHORT-RIB THORACIC DYSPLASIA 9 WITHOUT POLYDACTYLY; short-rib thoracic dysplasia 9 with or without polydactyly. Identifiers: Orphanet 140969, MedGen C1849437, MONDO:0009964, OMIM 266920.
Retinitis pigmentosa 80 (RP80). Identifiers: MedGen C4540439, MONDO:0054708, OMIM 617781.

Allele frequency attached by ClinVar (database versions not stated): gnomAD exomes below 0.00001; TOPMed below 0.00001; ExAC 0.00001; gnomAD 0.00001.
gnomAD v4.1: 6 of 1,613,974 alleles (0.00037%); highest among the groups gnomAD compares: Non-Finnish European, 0.00034%; no homozygotes.

Submissions (2):

Fulgent Genetics
Classification: Uncertain significance for Saldino-Mainzer syndrome; Retinitis pigmentosa 80. Last evaluated: 2021-11-11. Review status: criteria provided, single submitter. Criteria: ACMG Guidelines, 2015. Collection method: clinical testing. Allele origin: unknown.

Institute of Medical Genetics and Genomics, Sir Ganga Ram Hospital
Classification: Uncertain significance for Saldino-Mainzer syndrome. Last evaluated: 2021-11-16. Review status: no assertion criteria provided. Collection method: clinical testing. Allele origin: germline. Inheritance: Autosomal recessive inheritance. Affected: yes. Observed: 1 homozygote. Not counted in ClinVar's aggregate classification.
Comment: Variant is rare and has a low allele frequency in gnomAD database: 0.0004%. No homozygous individuals reported yet. in-silico prediction using MutationTaster, SpliceAI predicts disrupted splicing. Protein features might be affected. Overlapping clinical characterstics includes: Short Stature, polydactyly, recurrent chest infection, oral franuale.

NM_014714.4(IFT140):c.489C>T (p.Gly163=)

Genes: IFT140 (intraflagellar transport 140; minus strand), LOC105371046 (uncharacterized LOC105371046; plus strand). Cytogenetic location: 16p13.3.
Variant type: single nucleotide variant.
Coding change: c.489C>T on transcript NM_014714.4 (MANE Select); coding-DNA position 489, C replaced by T.
Protein change: p.Gly163=; no amino-acid change (glycine 163 retained).
Molecular consequence: synonymous variant.
Genome position (GRCh38, 1-based): chr16:1,592,469, G>A on the plus strand (C>T on the coding strand, the complement: IFT140 is on the minus strand). VCF-style: chr16-1592469-G-A. GRCh37 (hg19) VCF-style: chr16-1642470-G-A.
Identifiers: ClinVar variation 1321319 (VCV001321319.4), dbSNP rs776597097, ClinGen allele CA7814688.
Genomic context (GRCh38, chr16:1,592,469, plus strand): 5'-TTCCCACCTCCCCCGATGTAAACACACACACAGGTCACAGGGCAAGCCCCACACTTACTC[G>A]CCAGGAGGGGGGAGCCGGAAGATGCAGTGCGTGAGGTGTTTCCCATACTCGTGTTTCAGC-3'
Protein context (NP_055529.2, residues 153-173): THCIFRLPPP[Gly163=]EDLVQLAKAA